The following is an entry in ClinVar:

NM_012079.6(DGAT1):c.179G>A (p.Gly60Asp)

Gene: DGAT1 (diacylglycerol O-acyltransferase 1; minus strand). Cytogenetic location: 8q24.3.
Variant type: single nucleotide variant.
Coding change: c.179G>A on transcript NM_012079.6 (MANE Select); coding-DNA position 179, G replaced by A.
Protein change: p.Gly60Asp; replaces glycine 60 with aspartic acid.
Molecular consequence: missense variant.
Genome position (GRCh38, 1-based): chr8:144,326,458, C>T on the plus strand (G>A on the coding strand, the complement: DGAT1 is on the minus strand). VCF-style: chr8-144326458-C-T. GRCh37 (hg19) VCF-style: chr8-145550121-C-T.
Other names: short protein forms G60D.
Identifiers: ClinVar variation 1391855 (VCV001391855.5), dbSNP rs1319932149, ClinGen allele CA372613227.
Genomic context (GRCh38, chr8:144,326,458, plus strand): 5'-CCCTTGGGTCAGAGGTTAGGGGGTCAGGCGCTCCGCTACCTCAGCTCCCAGTGGCCGCTG[C>T]CCACGCCGGCGTCTCCGTCCTTGTTGGGGGCCGGGGCTGGCGCGTCCCCCGCGGCTCCCA-3'
Protein context (NP_036211.2, residues 50-70): APNKDGDAGV[Gly60Asp]SGHWELRCHR

ClinVar aggregate classification (germline): Uncertain significance (1 of 4 stars; one submission).

Allele frequency attached by ClinVar (database versions not stated): TOPMed below 0.00001; gnomAD 0.00001; gnomAD exomes 0.00006.
gnomAD v4.1: 3 of 1,352,978 alleles (0.00022%); no homozygotes.

Submission:

Labcorp Genetics (formerly Invitae), Labcorp
Classification: Uncertain significance. Last evaluated: 2022-06-15. Review status: criteria provided, single submitter. Criteria: Invitae Variant Classification Sherloc (09022015). Collection method: clinical testing. Allele origin: germline.
Comment: This sequence change replaces glycine, which is neutral and non-polar, with aspartic acid, which is acidic and polar, at codon 60 of the DGAT1 protein (p.Gly60Asp). The frequency data for this variant in the population databases is considered unreliable, as metrics indicate poor data quality at this position in the gnomAD database. This variant has not been reported in the literature in individuals affected with DGAT1-related conditions. Algorithms developed to predict the effect of missense changes on protein structure and function (SIFT, PolyPhen-2, Align-GVGD) all suggest that this variant is likely to be tolerated. In summary, the available evidence is currently insufficient to determine the role of this variant in disease. Therefore, it has been classified as a Variant of Uncertain Significance.